The following is an entry in ClinVar:

NM_000238.4(KCNH2):c.2002T>G (p.Ser668Ala)

Gene: KCNH2 (potassium voltage-gated channel subfamily H member 2; minus strand). Cytogenetic location: 7q36.1.
Variant type: single nucleotide variant.
Coding change: c.2002T>G on transcript NM_000238.4 (MANE Select); coding-DNA position 2002, T replaced by G.
Protein change: p.Ser668Ala; replaces serine 668 with alanine.
Molecular consequence: missense variant. On other transcripts: non-coding transcript variant (2).
Genome position (GRCh38, 1-based): chr7:150,951,064, A>C on the plus strand (T>G on the coding strand, the complement: KCNH2 is on the minus strand). VCF-style: chr7-150951064-A-C. GRCh37 (hg19) VCF-style: chr7-150648152-A-C.
Other names: c.982T>G, p.Ser328Ala (NM_001204798.2, NM_172057.3); c.1714T>G, p.Ser572Ala (NM_001406753.1, NM_001406756.1); c.1825T>G, p.Ser609Ala (NM_001406755.1); c.1702T>G, p.Ser568Ala (NM_001406757.1); c.2002T>G, p.Ser668Ala (NM_172056.3); short protein forms S328A, S568A, S572A, S609A, S668A.
Identifiers: ClinVar variation 4685720 (VCV004685720.1).

ClinVar aggregate classification (germline): Uncertain significance (1 of 4 stars; one submission).

gnomAD v4.1: 1 of 1,613,878 alleles (0.000062%); no homozygotes.

Submission:

ARUP Laboratories, Molecular Genetics and Genomics, ARUP Laboratories
Classification: Uncertain significance. Last evaluated: 2024-12-17. Review status: criteria provided, single submitter. Criteria: ARUP Molecular Germline Variant Investigation Process 2024. Collection method: clinical testing. Allele origin: germline.
Comment: The KCNH2 c.2002T>G; p.Ser668Ala variant, to our knowledge, is not reported in the medical literature or gene specific databases. This variant is also absent from the Genome Aggregation Database(v2.1.1), indicating it is not a common polymorphism. Computational analyses predict that this variant is deleterious (REVEL: 0.741). Due to limited information, the clinical significance of this variant is uncertain at this time.